The following is an entry in ClinVar:

NM_001164508.2(NEB):c.21102+2_21102+3del

Gene: NEB (nebulin; minus strand). Cytogenetic location: 2q23.3.
Variant type: Microsatellite.
Coding change: c.21102+2_21102+3del on transcript NM_001164508.2 (MANE Select); the canonical splice donor site of the intron after coding-DNA position 21102 through 3 bases into the intron after coding-DNA position 21102, 2 bases deleted (TG; older notation c.21102+2_21102+3delTG).
Molecular consequence: splice donor variant.
Genome position (GRCh38, 1-based): chr2:151,537,869-151,537,870, CA deleted on the plus strand (TG on the coding strand, the reverse complement: NEB is on the minus strand); deleting any 2 consecutive bases within chr2:151,537,869-151,537,872 gives the same sequence; the c. name uses the placement nearest the transcript's 3' end. VCF-style (leftmost placement, unchanged base first): chr2-151537868-TCA-T. GRCh37 (hg19) VCF-style: chr2-152394382-TCA-T.
Other names: c.15999+2_15999+3del (NM_004543.5); c.21102+2_21102+3del (NM_001164507.2, NM_001271208.2).
Identifiers: ClinVar variation 2103367 (VCV002103367.4), dbSNP rs2552150546, ClinGen allele CA2580611704.
Genomic context (GRCh38, chr2:151,537,868, plus strand): 5'-ATGATTTCAGAGCTTATATGGGAATATGAATTTATATGTGAAAATAGAAGATGTCAACAC[TCA>T]CATCACTGACTGTGTCAGTGACTGCTCGGTGGTGGAAATGCTCTGGACGATCAGGAATGG-3'

ClinVar aggregate classification (germline): Likely pathogenic (1 of 4 stars; one submission).

Conditions:
Nemaline myopathy 2 (NEM2). Also called: Nemaline myopathy 2, autosomal recessive. Identifiers: MedGen C1850569, MONDO:0009725, OMIM 256030.

Submission:

Labcorp Genetics (formerly Invitae), Labcorp
Classification: Likely pathogenic for Nemaline myopathy 2. Last evaluated: 2022-02-25. Review status: criteria provided, single submitter. Criteria: Invitae Variant Classification Sherloc (09022015). Collection method: clinical testing. Allele origin: germline.
Comment: In summary, the currently available evidence indicates that the variant is pathogenic, but additional data are needed to prove that conclusively. Therefore, this variant has been classified as Likely Pathogenic. Algorithms developed to predict the effect of sequence changes on RNA splicing suggest that this variant may disrupt the consensus splice site. This variant has not been reported in the literature in individuals affected with NEB-related conditions. This variant is not present in population databases (gnomAD no frequency). This sequence change affects a splice site in intron 140 of the NEB gene. It is expected to disrupt RNA splicing. Variants that disrupt the donor or acceptor splice site typically lead to a loss of protein function (PMID: 16199547), and loss-of-function variants in NEB are known to be pathogenic (PMID: 25205138).

Literature cited by the submitters: PubMed 16199547; PubMed 25205138.